The following is an entry in ClinVar:

NM_000419.5(ITGA2B):c.3102TGA[1] (p.Asp1035del)

Gene: ITGA2B (integrin subunit alpha 2b; minus strand). Cytogenetic location: 17q21.31.
Variant type: Microsatellite.
Coding change: c.3102TGA[1] on transcript NM_000419.5 (MANE Select); one copy of the 3-base unit TGA starting at c.3102; the reference has two copies in a row; one copy, 3 bases deleted.
Protein change: p.Asp1035del; deletes aspartic acid 1035.
Molecular consequence: inframe deletion.
Genome position (GRCh38, 1-based): chr17:44,372,377-44,372,379, TCA deleted on the plus strand (TGA on the coding strand, the reverse complement: ITGA2B is on the minus strand); deleting any 3 consecutive bases within chr17:44,372,377-44,372,384 gives the same sequence; the position shown is the placement nearest the transcript's 3' end. VCF-style (leftmost placement, unchanged base first): chr17-44372376-TTCA-T. GRCh37 (hg19) VCF-style: chr17-42449744-TTCA-T.
Other names: short protein forms D1035del.
Identifiers: ClinVar variation 2573405 (VCV002573405.2), dbSNP rs753383908, ClinGen allele CA8602454.
Genomic context (GRCh38, chr17:44,372,376, plus strand): 5'-GCAGGTAGCACGCCCAACCCTCCTGCTAGAATAGTGTAGGCTGCACCATCACTCCCCCTC[TTCA>T]TCATCTTCTTCCAGGGGTGGCCGGTTCCGCTTGAAGAAGCCGACCTGGGGGTACACGGGG-3'

ClinVar aggregate classification (germline): Uncertain significance. Review status: criteria provided, multiple submitters, no conflicts (2 of 4 stars). 2 submissions from 2 submitters: Uncertain significance (2). Last evaluated 2025-04-19.

Conditions:
Glanzmann thrombasthenia. Also called: Thrombasthenia; PLATELET GLYCOPROTEIN IIb-IIIa DEFICIENCY; BLEEDING DISORDER, PLATELET-TYPE, 2; THROMBASTHENIA OF GLANZMANN AND NAEGELI; Glanzmann's thrombasthenia. Identifiers: Orphanet 849, MedGen C0040015, MONDO:0100326.

Submissions (2):

Labcorp Genetics (formerly Invitae), Labcorp
Classification: Uncertain significance for Glanzmann thrombasthenia. Last evaluated: 2025-04-19. Review status: criteria provided, single submitter. Criteria: Invitae Variant Classification Sherloc (09022015). Collection method: clinical testing. Allele origin: germline.
Comment: This variant, c.3105_3107del, results in the deletion of 1 amino acid(s) of the ITGA2B protein (p.Asp1035del), but otherwise preserves the integrity of the reading frame. This variant is present in population databases (rs753383908, gnomAD 0.006%). This variant has not been reported in the literature in individuals affected with ITGA2B-related conditions. In summary, the available evidence is currently insufficient to determine the role of this variant in disease. Therefore, it has been classified as a Variant of Uncertain Significance.

Women's Health and Genetics/Laboratory Corporation of America, LabCorp
Classification: Uncertain significance. Last evaluated: 2023-06-28. Review status: criteria provided, single submitter. Criteria: LabCorp Variant Classification Summary - May 2015. Collection method: clinical testing. Allele origin: germline.
Comment: Variant summary: ITGA2B c.3105_3107delTGA (p.Asp1035del) results in an in-frame deletion that is predicted to remove one amino acid from the encoded protein. The variant allele was found at a frequency of 2.4e-05 in 251378 control chromosomes (gnomAD). The available data on variant occurrences in the general population are insufficient to allow any conclusion about variant significance. To our knowledge, no occurrence of c.3105_3107delTGA in individuals affected with ITGA2B-Related Disorders and no experimental evidence demonstrating its impact on protein function have been reported. No submitters have cited clinical-significance assessments for this variant to ClinVar after 2014. Based on the evidence outlined above, the variant was classified as uncertain significance.